The following is an entry in ClinVar:

NM_014946.4(SPAST):c.1824C>A (p.Asn608Lys)

Gene: SPAST (spastin; plus strand). Cytogenetic location: 2p22.3.
Variant type: single nucleotide variant.
Coding change: c.1824C>A on transcript NM_014946.4 (MANE Select); coding-DNA position 1824, C replaced by A.
Protein change: p.Asn608Lys; replaces asparagine 608 with lysine.
Molecular consequence: missense variant. On other transcripts: 3 prime UTR variant (1).
Genome position (GRCh38, 1-based): chr2:32,154,469, C>A. VCF-style: chr2-32154469-C-A. GRCh37 (hg19) VCF-style: chr2-32379538-C-A.
Other names: c.1725C>A, p.Asn575Lys (NM_001363875.2); c.*97C>A (NM_001377959.1); c.1728C>A, p.Asn576Lys (NM_199436.2); c.1821C>A, p.Asn607Lys (NM_001363823.2); short protein forms N575K, N576K, N607K, N608K.
Identifiers: ClinVar variation 4882013 (VCV004882013.2).

ClinVar aggregate classification (germline): Uncertain significance (1 of 4 stars; one submission).

Conditions:
Hereditary spastic paraplegia 4. Also called: Spastic Paraplegia 4; Spastic paraplegia 4, autosomal dominant; Familial spastic paraplegia autosomal dominant 2. Identifiers: Orphanet 100985, MedGen C1866855, MONDO:0008438, OMIM 182601.

Submission:

Dasa
Classification: Uncertain significance for Hereditary spastic paraplegia 4. Last evaluated: 2025-09-05. Review status: criteria provided, single submitter. Criteria: DASA Assertion Criteria. Collection method: clinical testing. Allele origin: germline.
Comment: NM_014946.4(SPAST):c.1824C>A (p.Asn608Lys) is a missense variant that results in the substitution of asparagine with lysine. The affected residue or protein region has prior evidence supporting clinical relevance. This variant is absent from population databases. Computational prediction algorithms are consistent with a deleterious effect. The currently available literature and clinical evidence are not sufficient to establish a definitive association between this variant and the reported condition. Therefore, this variant is classified as a variant of uncertain significance.